The following is an entry in ClinVar:

ClinVar aggregate classification (germline): Uncertain significance. Review status: criteria provided, multiple submitters, no conflicts (2 of 4 stars). 2 submissions from 2 submitters: Uncertain significance (2). Last evaluated 2025-07-11.

Conditions:
Orofacial cleft. Also called: Orofacial clefting; Oral cleft. Identifiers: MedGen C3266076, MONDO:0000358, HP:0000202.

Allele frequency attached by ClinVar (database versions not stated): gnomAD exomes below 0.00001.
gnomAD v4.1: 2 of 1,613,170 alleles (0.00012%); highest among the groups gnomAD compares: Non-Finnish European, 0.00017%; no homozygotes.

Submissions (2):

Labcorp Genetics (formerly Invitae), Labcorp
Classification: Uncertain significance. Last evaluated: 2025-07-11. Review status: criteria provided, single submitter. Criteria: Invitae Variant Classification Sherloc (09022015). Collection method: clinical testing. Allele origin: germline.
Comment: This sequence change replaces glycine, which is neutral and non-polar, with arginine, which is basic and polar, at codon 999 of the LRP6 protein (p.Gly999Arg). This variant is not present in population databases (gnomAD no frequency). This missense change has been observed in individual(s) with bilateral cleft lip (PMID: 26963285). ClinVar contains an entry for this variant (Variation ID: 225157). An algorithm developed to predict the effect of missense changes on protein structure and function (PolyPhen-2) suggests that this variant is likely to be tolerated. In summary, the available evidence is currently insufficient to determine the role of this variant in disease. Therefore, it has been classified as a Variant of Uncertain Significance.

Lupski Lab, Baylor-Hopkins CMG, Baylor College of Medicine
Classification: Uncertain significance for Orofacial cleft. Last evaluated: 2016-03-10. Review status: criteria provided, single submitter. Criteria: Liang et al (Eur J Oral Sci 2012). Collection method: research. Allele origin: unknown. Inheritance: Autosomal dominant inheritance. Affected: yes. Observed: 1 variant allele, 1 heterozygote.

Literature cited by the submitters: PubMed 26963285 (cited by Labcorp Genetics (formerly Invitae), Labcorp and Lupski Lab, Baylor-Hopkins CMG, Baylor College of Medicine).

NM_002336.3(LRP6):c.2995G>C (p.Gly999Arg)

Gene: LRP6 (LDL receptor related protein 6; minus strand). Cytogenetic location: 12p13.2.
Variant type: single nucleotide variant.
Coding change: c.2995G>C on transcript NM_002336.3 (MANE Select); coding-DNA position 2995, G replaced by C.
Protein change: p.Gly999Arg; replaces glycine 999 with arginine.
Molecular consequence: missense variant.
Genome position (GRCh38, 1-based): chr12:12,149,153, C>G on the plus strand (G>C on the coding strand, the complement: LRP6 is on the minus strand). VCF-style: chr12-12149153-C-G. GRCh37 (hg19) VCF-style: chr12-12302087-C-G.
Other names: short protein forms G999R.
Identifiers: ClinVar variation 225157 (VCV000225157.2), dbSNP rs869320644, ClinGen allele CA358769.